The following is an entry in ClinVar:

NM_001134407.3(GRIN2A):c.2510G>A (p.Trp837Ter)

Gene: GRIN2A (glutamate ionotropic receptor NMDA type subunit 2A; minus strand). Cytogenetic location: 16p13.2.
Variant type: single nucleotide variant.
Coding change: c.2510G>A on transcript NM_001134407.3 (MANE Select); coding-DNA position 2510, G replaced by A.
Protein change: p.Trp837Ter; replaces tryptophan 837 with a stop codon.
Molecular consequence: nonsense.
Genome position (GRCh38, 1-based): chr16:9,768,936, C>T on the plus strand (G>A on the coding strand, the complement: GRIN2A is on the minus strand). VCF-style: chr16-9768936-C-T. GRCh37 (hg19) VCF-style: chr16-9862793-C-T.
Other names: c.2510G>A, p.Trp837Ter (NM_000833.5, NM_001134408.2); short protein forms W837*.
Identifiers: ClinVar variation 3900674 (VCV003900674.1).

ClinVar aggregate classification (germline): Likely pathogenic (0 of 4 stars; one submission).

Conditions:
Landau-Kleffner syndrome (FESD). Also called: EPILEPSY, FOCAL, WITH SPEECH DISORDER AND WITH OR WITHOUT MENTAL RETARDATION; APHASIA, ACQUIRED, WITH EPILEPSY. Identifiers: Orphanet 1945, Orphanet 725, Orphanet 98818, MedGen C0282512, MONDO:0009509, OMIM 245570.

Submission:

Department of Rehabilitation, Anhui Provincial Children's Hospital
Classification: Likely pathogenic for Landau-Kleffner syndrome. Last evaluated: 2023-12-25. Review status: no assertion criteria provided. Collection method: clinical testing. Allele origin: maternal. Affected: yes.
Comment: This variant converts the affected codon into a stop codon, thereby altering protein function. Public database queries confirm that mutations in the GRIN2A gene (OMIM:138253) cause "Epilepsy, Focal, with Speech Disorder and with or without Impaired Intellectual Development" (OMIM:245570).